The following is an entry in ClinVar:

ClinVar aggregate classification (germline): Uncertain significance (1 of 4 stars; one submission).

Conditions:
Pityriasis rubra pilaris (PRP). Also called: Pityriasis rubra pilaris--familial type. Identifiers: Orphanet 2897, MedGen C0032027, MONDO:0100017, OMIM 173200, MONDO:0008251.
Psoriasis 2. Identifiers: MedGen C1864497, MONDO:0011269, OMIM 602723.

Allele frequency attached by ClinVar (database versions not stated): gnomAD exomes 0.00003; TOPMed 0.00005; ExAC 0.00007; gnomAD 0.00007 and 0.00008.
gnomAD v4.1: 109 of 1,597,086 alleles (0.0068%); highest among the groups gnomAD compares: Non-Finnish European, 0.0086%; no homozygotes.

Submission:

Labcorp Genetics (formerly Invitae), Labcorp
Classification: Uncertain significance for Pityriasis rubra pilaris; Psoriasis 2. Last evaluated: 2025-03-24. Review status: criteria provided, single submitter. Criteria: Invitae Variant Classification Sherloc (09022015). Collection method: clinical testing. Allele origin: germline.
Comment: This sequence change replaces arginine, which is basic and polar, with histidine, which is basic and polar, at codon 772 of the CARD14 protein (p.Arg772His). The frequency data for this variant in the population databases is considered unreliable, as metrics indicate poor data quality at this position in the gnomAD database. This variant has not been reported in the literature in individuals affected with CARD14-related conditions. ClinVar contains an entry for this variant (Variation ID: 576943). Invitae Evidence Modeling of protein sequence and biophysical properties (such as structural, functional, and spatial information, amino acid conservation, physicochemical variation, residue mobility, and thermodynamic stability) has been performed for this missense variant. However, the output from this modeling did not meet the statistical confidence thresholds required to predict the impact of this variant on CARD14 protein function. In summary, the available evidence is currently insufficient to determine the role of this variant in disease. Therefore, it has been classified as a Variant of Uncertain Significance.

NM_001366385.1(CARD14):c.2315G>A (p.Arg772His)

Genes: CARD14 (caspase recruitment domain family member 14; plus strand), SGSH (N-sulfoglucosamine sulfohydrolase; minus strand). Cytogenetic location: 17q25.3.
Variant type: single nucleotide variant.
Coding change: c.2315G>A on transcript NM_001366385.1 (MANE Select); coding-DNA position 2315, G replaced by A.
Protein change: p.Arg772His; replaces arginine 772 with histidine.
Molecular consequence: missense variant. On other transcripts: non-coding transcript variant (1).
Genome position (GRCh38, 1-based): chr17:80,204,258, G>A. VCF-style: chr17-80204258-G-A. GRCh37 (hg19) VCF-style: chr17-78178057-G-A.
Other names: c.2315G>A, p.Arg772His (NM_024110.4); short protein forms R772H.
Identifiers: ClinVar variation 576943 (VCV000576943.11), dbSNP rs746635931, ClinGen allele CA8817272.
Genomic context (GRCh38, chr17:80,204,258, plus strand): 5'-TCCTCATCCTTTCTCTGTCCCTCCTTTAGCCATCTTCTGGGGGACCACAGAAGCTGGTCC[G>A]CATCGTCAGTATGGACAAAGCCAAGGCCAGCCCTCTGCGTTTGTCCTTTGACAGGGGCCA-3'
Protein context (NP_001353314.1, residues 762-782): PSSGGPQKLV[Arg772His]IVSMDKAKAS